The following is an entry in ClinVar:

NM_021813.4(BACH2):c.995C>A (p.Ser332Tyr)

Gene: BACH2 (BACH transcriptional regulator 2; minus strand). Cytogenetic location: 6q15.
Variant type: single nucleotide variant.
Coding change: c.995C>A on transcript NM_021813.4 (MANE Select); coding-DNA position 995, C replaced by A.
Protein change: p.Ser332Tyr; replaces serine 332 with tyrosine.
Molecular consequence: missense variant.
Genome position (GRCh38, 1-based): chr6:89,951,111, G>T on the plus strand (C>A on the coding strand, the complement: BACH2 is on the minus strand). VCF-style: chr6-89951111-G-T. GRCh37 (hg19) VCF-style: chr6-90660830-G-T.
Other names: c.995C>A, p.Ser332Tyr (NM_001170794.2); short protein forms S332Y.
Identifiers: ClinVar variation 3689547 (VCV003689547.2).

ClinVar aggregate classification (germline): Uncertain significance (1 of 4 stars; one submission).

Submission:

Labcorp Genetics (formerly Invitae), Labcorp
Classification: Uncertain significance. Last evaluated: 2024-05-23. Review status: criteria provided, single submitter. Criteria: Invitae Variant Classification Sherloc (09022015). Collection method: clinical testing. Allele origin: germline.
Comment: This sequence change replaces serine, which is neutral and polar, with tyrosine, which is neutral and polar, at codon 332 of the BACH2 protein (p.Ser332Tyr). This variant is not present in population databases (gnomAD no frequency). This variant has not been reported in the literature in individuals affected with BACH2-related conditions. Advanced modeling of protein sequence and biophysical properties (such as structural, functional, and spatial information, amino acid conservation, physicochemical variation, residue mobility, and thermodynamic stability) performed at Invitae indicates that this missense variant is not expected to disrupt BACH2 protein function with a negative predictive value of 80%. In summary, the available evidence is currently insufficient to determine the role of this variant in disease. Therefore, it has been classified as a Variant of Uncertain Significance.